The following is an entry in ClinVar:

ClinVar aggregate classification (germline): Likely benign. Review status: criteria provided, multiple submitters, no conflicts (2 of 4 stars). 2 submissions from 2 submitters: Likely benign (2). Last evaluated 2025-10-17.

Allele frequency attached by ClinVar (database versions not stated): ExAC 0.00005; ESP Exome Variant Server 0.00017.
gnomAD v4.1: 18 of 1,612,276 alleles (0.0011%); highest among the groups gnomAD compares: Middle Eastern, 0.016%; no homozygotes.

Submissions (2):

Labcorp Genetics (formerly Invitae), Labcorp
Classification: Likely benign. Last evaluated: 2025-10-17. Review status: criteria provided, single submitter. Criteria: Invitae Variant Classification Sherloc (09022015). Collection method: clinical testing. Allele origin: germline.

CeGaT Center for Human Genetics Tuebingen
Classification: Likely benign. Last evaluated: 2024-05-01. Review status: criteria provided, single submitter. Criteria: CeGaT Center For Human Genetics Tuebingen Variant Classification Criteria Version 2. Collection method: clinical testing. Allele origin: germline. Affected: yes. Observed: 1 variant allele.
Comment: SPEG: BP4, BP7

NM_005876.5(SPEG):c.8475C>A (p.Pro2825=)

Genes: ASIC4-AS1 (ASIC4 antisense RNA 1; minus strand), SPEG (striated muscle enriched protein kinase; plus strand). Cytogenetic location: 2q35.
Variant type: single nucleotide variant.
Coding change: c.8475C>A on transcript NM_005876.5 (MANE Select); coding-DNA position 8475, C replaced by A.
Protein change: p.Pro2825=; no amino-acid change (proline 2825 retained).
Molecular consequence: synonymous variant.
Genome position (GRCh38, 1-based): chr2:219,489,493, C>A. VCF-style: chr2-219489493-C-A. GRCh37 (hg19) VCF-style: chr2-220354215-C-A.
Identifiers: ClinVar variation 1662260 (VCV001662260.27), dbSNP rs374088448, ClinGen allele CA2127502.